The following is an entry in ClinVar:

NM_000038.6(APC):c.2689A>G (p.Ile897Val)

Gene: APC (APC regulator of Wnt signaling pathway; plus strand). Cytogenetic location: 5q22.2.
Variant type: single nucleotide variant.
Coding change: c.2689A>G on transcript NM_000038.6 (MANE Select); coding-DNA position 2689, A replaced by G.
Protein change: p.Ile897Val; replaces isoleucine 897 with valine.
Molecular consequence: missense variant.
Genome position (GRCh38, 1-based): chr5:112,838,283, A>G. VCF-style: chr5-112838283-A-G. GRCh37 (hg19) VCF-style: chr5-112173980-A-G.
Other names: c.2689A>G, p.Ile897Val (NM_001127510.3, NM_001354895.2); c.2635A>G, p.Ile879Val (NM_001127511.3); c.2743A>G, p.Ile915Val (NM_001354896.2); c.2719A>G, p.Ile907Val (NM_001354897.2); c.2614A>G, p.Ile872Val (NM_001354898.2); c.2605A>G, p.Ile869Val (NM_001354899.2); c.2566A>G, p.Ile856Val (NM_001354900.2); c.2512A>G, p.Ile838Val (NM_001354901.2); and 5 more; short protein forms I614V, I771V, I869V, I737V, I796V, I872V, I879V, I907V.
Identifiers: ClinVar variation 950211 (VCV000950211.16), dbSNP rs1391953704, ClinGen allele CA16027201.

ClinVar aggregate classification (germline): Uncertain significance. Review status: criteria provided, multiple submitters, no conflicts (2 of 4 stars). 4 submissions from 4 submitters: Uncertain significance (4). Last evaluated 2025-01-02.

Conditions:
Familial adenomatous polyposis 1 (FAP1). Also called: POLYPOSIS, ADENOMATOUS INTESTINAL; FAMILIAL ADENOMATOUS POLYPOSIS 1, ATTENUATED. Identifiers: MedGen C2713442, MONDO:0021056, OMIM 175100. Disease mechanism: loss of function.
Hereditary cancer-predisposing syndrome. Also called: Tumor predisposition; Hereditary neoplastic syndrome; Neoplastic Syndromes, Hereditary; Hereditary Cancer Syndrome. Identifiers: Orphanet 140162, MedGen C0027672, MeSH D009386, MONDO:0015356.

Allele frequency attached by ClinVar (database versions not stated): TOPMed below 0.00001; gnomAD 0.00001.
gnomAD v4.1: 2 of 1,614,120 alleles (0.00012%); highest among the groups gnomAD compares: African/African-American, 0.0013%; no homozygotes.

Submissions (4):

Ambry Genetics
Classification: Uncertain significance for Hereditary cancer-predisposing syndrome. Last evaluated: 2025-01-02. Review status: criteria provided, single submitter. Criteria: Ambry Variant Classification Scheme 2023. Collection method: clinical testing. Allele origin: germline.
Comment: The p.I897V variant (also known as c.2689A>G), located in coding exon 15 of the APC gene, results from an A to G substitution at nucleotide position 2689. The isoleucine at codon 897 is replaced by valine, an amino acid with highly similar properties. This amino acid position is not well conserved in available vertebrate species. Missense alterations in APC are not a common cause of disease (Spier I et al. Genet Med. 2024 Feb;26(2):100992). In addition, in silico predictors for this gene do not accurately predict pathogenicity. Since supporting evidence is limited at this time, the clinical significance of this alteration remains unclear.

Quest Diagnostics Nichols Institute San Juan Capistrano
Classification: Uncertain significance. Last evaluated: 2024-02-07. Review status: criteria provided, single submitter. Criteria: Quest Diagnostics criteria. Collection method: clinical testing. Allele origin: unknown.
Comment: The APC c.2689A>G (p.Ile897Val) variant has not been reported in individuals with APC-related conditions in the published literature. It also has not been reported in large, multi-ethnic general populations (Genome Aggregation Database). Analysis of this variant using bioinformatics tools for the prediction of the effect of amino acid changes on protein structure and function yielded predictions that this variant is benign. Based on the available information, we are unable to determine the clinical significance of this variant.

Color Diagnostics, LLC DBA Color Health
Classification: Uncertain significance for Hereditary cancer-predisposing syndrome. Last evaluated: 2024-01-16. Review status: criteria provided, single submitter. Criteria: ACMG Guidelines, 2015. Collection method: clinical testing. Allele origin: germline.
Comment: This missense variant replaces isoleucine with valine at codon 897 of the APC protein. Computational prediction suggests that this variant may not impact protein structure and function (internally defined REVEL score threshold <= 0.5, PMID: 27666373). To our knowledge, functional studies have not been reported for this variant. This variant has not been reported in individuals affected with APC-related disorders in the literature. This variant has not been identified in the general population by the Genome Aggregation Database (gnomAD). The available evidence is insufficient to determine the role of this variant in disease conclusively. Therefore, this variant is classified as a Variant of Uncertain Significance.

Labcorp Genetics (formerly Invitae), Labcorp
Classification: Uncertain significance for Familial adenomatous polyposis 1. Last evaluated: 2023-03-24. Review status: criteria provided, single submitter. Criteria: Invitae Variant Classification Sherloc (09022015). Collection method: clinical testing. Allele origin: germline.
Comment: In summary, the available evidence is currently insufficient to determine the role of this variant in disease. Therefore, it has been classified as a Variant of Uncertain Significance. This sequence change replaces isoleucine, which is neutral and non-polar, with valine, which is neutral and non-polar, at codon 897 of the APC protein (p.Ile897Val). This variant is not present in population databases (gnomAD no frequency). This variant has not been reported in the literature in individuals affected with APC-related conditions. ClinVar contains an entry for this variant (Variation ID: 950211). Advanced modeling of protein sequence and biophysical properties (such as structural, functional, and spatial information, amino acid conservation, physicochemical variation, residue mobility, and thermodynamic stability) performed at Invitae indicates that this missense variant is not expected to disrupt APC protein function.